The following is an entry in ClinVar:

ClinVar aggregate classification (germline): Uncertain significance. Review status: criteria provided, multiple submitters, no conflicts (2 of 4 stars). 2 submissions from 2 submitters: Uncertain significance (2). Last evaluated 2025-05-08.

Conditions:
Hereditary cancer-predisposing syndrome. Also called: Hereditary neoplastic syndrome; Tumor predisposition; Hereditary Cancer Syndrome; Neoplastic Syndromes, Hereditary. Identifiers: Orphanet 140162, MedGen C0027672, MeSH D009386, MONDO:0015356.
Gastrointestinal stromal tumor. Also called: Gastrointestinal stroma tumor; Gastrointestinal stromal tumor, somatic. Identifiers: Orphanet 44890, MedGen C0238198, MeSH D046152, MONDO:0011719, OMIM 606764, HP:0100723.

Submissions (2):

Ambry Genetics
Classification: Uncertain significance for Hereditary cancer-predisposing syndrome. Last evaluated: 2025-05-08. Review status: criteria provided, single submitter. Criteria: Ambry Variant Classification Scheme 2023. Collection method: clinical testing. Allele origin: germline.
Comment: The p.D869N variant (also known as c.2605G>A), located in coding exon 18 of the PDGFRA gene, results from a G to A substitution at nucleotide position 2605. The aspartic acid at codon 869 is replaced by asparagine, an amino acid with highly similar properties. This amino acid position is well conserved in available vertebrate species. In addition, this alteration is predicted to be tolerated by in silico analysis. Based on the available evidence, the clinical significance of this variant remains unclear.

Labcorp Genetics (formerly Invitae), Labcorp
Classification: Uncertain significance for Gastrointestinal stromal tumor. Last evaluated: 2022-04-27. Review status: criteria provided, single submitter. Criteria: Invitae Variant Classification Sherloc (09022015). Collection method: clinical testing. Allele origin: germline.
Comment: In summary, the available evidence is currently insufficient to determine the role of this variant in disease. Therefore, it has been classified as a Variant of Uncertain Significance. Algorithms developed to predict the effect of missense changes on protein structure and function are either unavailable or do not agree on the potential impact of this missense change (SIFT: "Deleterious"; PolyPhen-2: "Probably Damaging"; Align-GVGD: "Class C0"). This variant has not been reported in the literature in individuals affected with PDGFRA-related conditions. This variant is not present in population databases (gnomAD no frequency). This sequence change replaces aspartic acid, which is acidic and polar, with asparagine, which is neutral and polar, at codon 869 of the PDGFRA protein (p.Asp869Asn).

NM_006206.6(PDGFRA):c.2605G>A (p.Asp869Asn)

Gene: PDGFRA (platelet derived growth factor receptor alpha; plus strand). Cytogenetic location: 4q12.
Variant type: single nucleotide variant.
Coding change: c.2605G>A on transcript NM_006206.6 (MANE Select); coding-DNA position 2605, G replaced by A.
Protein change: p.Asp869Asn; replaces aspartic acid 869 with asparagine.
Molecular consequence: missense variant.
Genome position (GRCh38, 1-based): chr4:54,287,472, G>A. VCF-style: chr4-54287472-G-A. GRCh37 (hg19) VCF-style: chr4-55153639-G-A.
Other names: c.2680G>A, p.Asp894Asn (NM_001347828.2); c.2605G>A, p.Asp869Asn (NM_001347829.2); c.2644G>A, p.Asp882Asn (NM_001347830.2); c.2605G>A (NM_006206.4); short protein forms D869N, D882N, D894N.
Identifiers: ClinVar variation 1463782 (VCV001463782.7), dbSNP rs2110341381, ClinGen allele CA356895223.